The following is an entry in ClinVar:

ClinVar aggregate classification (germline): Uncertain significance (1 of 4 stars; one submission).

Conditions:
Generalized epilepsy with febrile seizures plus, type 9 (GEFSP9). Also called: GEFS+, TYPE 9. Identifiers: Orphanet 36387, MedGen C4015395, MONDO:0014517, OMIM 616172.

Submission:

Labcorp Genetics (formerly Invitae), Labcorp
Classification: Uncertain significance for Generalized epilepsy with febrile seizures plus, type 9. Last evaluated: 2022-07-30. Review status: criteria provided, single submitter. Criteria: Invitae Variant Classification Sherloc (09022015). Collection method: clinical testing. Allele origin: germline.
Comment: This sequence change replaces lysine, which is basic and polar, with glutamic acid, which is acidic and polar, at codon 2 of the STX1B protein (p.Lys2Glu). This variant is not present in population databases (gnomAD no frequency). This variant has not been reported in the literature in individuals affected with STX1B-related conditions. Algorithms developed to predict the effect of missense changes on protein structure and function are either unavailable or do not agree on the potential impact of this missense change (SIFT: "Tolerated"; PolyPhen-2: "Possibly Damaging"; Align-GVGD: "Class C0"). In summary, the available evidence is currently insufficient to determine the role of this variant in disease. Therefore, it has been classified as a Variant of Uncertain Significance.

NM_052874.5(STX1B):c.4A>G (p.Lys2Glu)

Gene: STX1B (syntaxin 1B; minus strand). Cytogenetic location: 16p11.2.
Variant type: single nucleotide variant.
Coding change: c.4A>G on transcript NM_052874.5 (MANE Select); coding-DNA position 4, A replaced by G.
Protein change: p.Lys2Glu; replaces lysine 2 with glutamic acid.
Molecular consequence: missense variant.
Genome position (GRCh38, 1-based): chr16:31,010,393, T>C on the plus strand (A>G on the coding strand, the complement: STX1B is on the minus strand). VCF-style: chr16-31010393-T-C. GRCh37 (hg19) VCF-style: chr16-31021714-T-C.
Other names: short protein forms K2E.
Identifiers: ClinVar variation 1714461 (VCV001714461.5), dbSNP rs2543975576, ClinGen allele CA395654181.